The following is an entry in ClinVar:

ClinVar aggregate classification (germline): Pathogenic. Review status: criteria provided, multiple submitters, no conflicts (2 of 4 stars). 3 submissions from 3 submitters: Pathogenic (2). 1 of the submissions does not count toward it. Last evaluated 2024-03-12.

Conditions:
Cholesteryl ester storage disease (CESD). Also called: Childhood/Adult-Onset LAL-D (Cholesterol Ester Storage Disease [CESD]). Identifiers: Orphanet 75234, MedGen C0008384, MONDO:0019149, OMIM 278000.
Wolman disease (WOLD). Also called: Wolman disease, CESD; LYSOSOMAL ACID LIPASE DEFICIENCY, ACUTE INFANTILE; LYSOSOMAL ACID LIPASE DEFICIENCY, COMPLETE; LIPA DEFICIENCY, COMPLETE; LAL DEFICIENCY, COMPLETE; CHOLESTEROL ESTER HYDROLASE DEFICIENCY, COMPLETE. Identifiers: Orphanet 75233, MedGen C0043208, MONDO:0019148, OMIM 620151.
Lysosomal acid lipase deficiency. Also called: Acid cholesteryl ester hydrolase deficiency, type 2. Identifiers: Orphanet 275761, MedGen C5574740, MONDO:0800449, MONDO:0010204.

Allele frequency attached by ClinVar (database versions not stated): TOPMed below 0.00001; gnomAD 0.00001.

Submissions (3):

Natera, Inc.
Classification: Pathogenic for Lysosomal acid lipase deficiency. Last evaluated: 2024-03-12. Review status: criteria provided, single submitter. Criteria: Natera Variant Classification Schema (03/2026). Collection method: clinical testing. Allele origin: germline.
Comment: The c.419G>A variant in LIPA is a nonsense variant predicted to introduce a stop codon at amino acid 140. This variant is expected to result in nonsense mediated decay, truncation, or a dysfunctional protein product. This variant is rare in the general population with a frequency below the threshold expected for the associated phenotype(s). This variant has been observed in one or more individuals affected with the associated recessive disease, as either homozygous or compound heterozygous with a second variant (PMID: 22227072). Given the available evidence, this variant is classified as Pathogenic.

Labcorp Genetics (formerly Invitae), Labcorp
Classification: Pathogenic for Wolman disease. Last evaluated: 2023-08-02. Review status: criteria provided, single submitter. Criteria: Invitae Variant Classification Sherloc (09022015). Collection method: clinical testing. Allele origin: germline.
Comment: This sequence change creates a premature translational stop signal (p.Trp140*) in the LIPA gene. It is expected to result in an absent or disrupted protein product. Loss-of-function variants in LIPA are known to be pathogenic (PMID: 23485521). This variant is not present in population databases (gnomAD no frequency). This premature translational stop signal has been observed in individuals with LIPA-related conditions (PMID: 22227072, 28881270). ClinVar contains an entry for this variant (Variation ID: 554864). For these reasons, this variant has been classified as Pathogenic.

Counsyl
Classification: Pathogenic for Cholesteryl ester storage disease. Last evaluated: 2017-11-22. Review status: no assertion criteria provided. Collection method: clinical testing. Allele origin: unknown. Not counted in ClinVar's aggregate classification.

Literature cited by the submitters: PubMed 22227072 (cited by 3 submitters); PubMed 23485521 (cited by Labcorp Genetics (formerly Invitae), Labcorp); PubMed 28881270 (cited by Labcorp Genetics (formerly Invitae), Labcorp).

NM_000235.4(LIPA):c.419G>A (p.Trp140Ter)

Gene: LIPA (lipase A, lysosomal acid type; minus strand). Cytogenetic location: 10q23.31.
Variant type: single nucleotide variant.
Coding change: c.419G>A on transcript NM_000235.4 (MANE Select); coding-DNA position 419, G replaced by A.
Protein change: p.Trp140Ter; replaces tryptophan 140 with a stop codon.
Molecular consequence: nonsense.
Genome position (GRCh38, 1-based): chr10:89,228,209, C>T on the plus strand (G>A on the coding strand, the complement: LIPA is on the minus strand). VCF-style: chr10-89228209-C-T. GRCh37 (hg19) VCF-style: chr10-90987966-C-T.
Other names: c.419G>A, p.Trp140Ter (NM_001127605.3); c.71G>A, p.Trp24Ter (NM_001288979.2); short protein forms W140*, W24*.
Identifiers: ClinVar variation 554864 (VCV000554864.18), dbSNP rs1457072724, ClinGen allele CA377517743.